The following is an entry in ClinVar:

ClinVar aggregate classification (germline): Uncertain significance. Review status: criteria provided, multiple submitters, no conflicts (2 of 4 stars). 3 submissions from 3 submitters: Uncertain significance (3). Last evaluated 2025-06-03.

Conditions:
Inborn genetic diseases. Identifiers: MedGen C0950123, MeSH D030342.

Allele frequency attached by ClinVar (database versions not stated): gnomAD 0.00001; gnomAD exomes 0.00001 and 0.00006; TOPMed 0.00001; ExAC 0.00002.

Submissions (3):

Labcorp Genetics (formerly Invitae), Labcorp
Classification: Uncertain significance. Last evaluated: 2025-06-03. Review status: criteria provided, single submitter. Criteria: Invitae Variant Classification Sherloc (09022015). Collection method: clinical testing. Allele origin: germline.
Comment: This sequence change replaces tyrosine, which is neutral and polar, with cysteine, which is neutral and slightly polar, at codon 46 of the POGLUT1 protein (p.Tyr46Cys). This variant is present in population databases (rs753241179, gnomAD 0.007%). This variant has not been reported in the literature in individuals affected with POGLUT1-related conditions. ClinVar contains an entry for this variant (Variation ID: 1042944). Invitae Evidence Modeling of protein sequence and biophysical properties (such as structural, functional, and spatial information, amino acid conservation, physicochemical variation, residue mobility, and thermodynamic stability) indicates that this missense variant is not expected to disrupt POGLUT1 protein function with a negative predictive value of 80%. In summary, the available evidence is currently insufficient to determine the role of this variant in disease. Therefore, it has been classified as a Variant of Uncertain Significance.

Ambry Genetics
Classification: Uncertain significance for Inborn genetic diseases. Last evaluated: 2023-06-12. Review status: criteria provided, single submitter. Criteria: Ambry Variant Classification Scheme 2023. Collection method: clinical testing. Allele origin: germline.

Blueprint Genetics
Classification: Uncertain significance. Last evaluated: 2022-12-15. Review status: criteria provided, single submitter. Criteria: ACMG Guidelines, 2015. Collection method: clinical testing. Allele origin: germline.

NM_152305.3(POGLUT1):c.137A>G (p.Tyr46Cys)

Gene: POGLUT1 (protein O-glucosyltransferase 1; plus strand). Cytogenetic location: 3q13.33.
Variant type: single nucleotide variant.
Coding change: c.137A>G on transcript NM_152305.3 (MANE Select); coding-DNA position 137, A replaced by G.
Protein change: p.Tyr46Cys; replaces tyrosine 46 with cysteine.
Molecular consequence: missense variant. On other transcripts: non-coding transcript variant (1).
Genome position (GRCh38, 1-based): chr3:119,469,871, A>G. VCF-style: chr3-119469871-A-G. GRCh37 (hg19) VCF-style: chr3-119188718-A-G.
Other names: c.137A>G (NM_152305.2); short protein forms Y46C.
Identifiers: ClinVar variation 1042944 (VCV001042944.11), dbSNP rs753241179, ClinGen allele CA2554753.